The following is an entry in ClinVar:

NM_001379180.1(ESRRB):c.*1550C>A

Gene: ESRRB (estrogen related receptor beta; plus strand). Cytogenetic location: 14q24.3.
Variant type: single nucleotide variant.
Coding change: c.*1550C>A on transcript NM_001379180.1 (MANE Select); 1550 bases downstream of the stop codon, C replaced by A.
Molecular consequence: 3 prime UTR variant. On other transcripts: missense variant (1).
Genome position (GRCh38, 1-based): chr14:76,500,008, C>A. VCF-style: chr14-76500008-C-A. GRCh37 (hg19) VCF-style: chr14-76966351-C-A.
Other names: c.1442C>A, p.Thr481Asn (NM_004452.4); short protein forms T481N.
Identifiers: ClinVar variation 228673 (VCV000228673.5), dbSNP rs772147649, ClinGen allele CA7281903.

ClinVar aggregate classification (germline): Uncertain significance. Review status: criteria provided, multiple submitters, no conflicts (2 of 4 stars). 2 submissions from 2 submitters: Uncertain significance (2). Last evaluated 2023-10-17.

Allele frequency attached by ClinVar (database versions not stated): TOPMed below 0.00001; gnomAD 0.00001; gnomAD exomes 0.00001; ExAC 0.00003.
gnomAD v4.1: 11 of 1,569,188 alleles (0.0007%); highest among the groups gnomAD compares: Non-Finnish European, 0.00095%; no homozygotes.

Submissions (2):

Blueprint Genetics
Classification: Uncertain significance. Last evaluated: 2023-10-17. Review status: criteria provided, single submitter. Criteria: ACMG Guidelines, 2015. Collection method: clinical testing. Allele origin: germline.

Laboratory for Molecular Medicine, Mass General Brigham Personalized Medicine
Classification: Uncertain significance. Last evaluated: 2015-08-10. Review status: criteria provided, single submitter. Criteria: LMM Criteria. Collection method: clinical testing. Allele origin: germline. Observed: 1 variant allele.
Comment: The p.Thr481Asn variant in ESRRB has not been previously reported in individuals with hearing loss. This variant has been identified in 1/16370 European chromos omes by the Exome Aggregation Consortium (ExAC; dbSNP rs772147649). Although this variant has been seen in the general populatio n, its frequency is not high enough to rule out a pathogenic role. Computational prediction tools and conservation analyses do not provide strong support for or against an impact to the protein. In summary, the clinical significance of the p.Thr481Asn variant is uncertain.